The following is an entry in ClinVar:

ClinVar aggregate classification (germline): Conflicting classifications of pathogenicity. Review status: criteria provided, conflicting classifications (1 of 4 stars). 5 submissions from 3 submitters: Uncertain significance (2); Benign (3). Last evaluated 2023-12-02.

Conditions:
Familial multiple trichoepitheliomata. Also called: Familial multiple trichoepithelioma. Identifiers: Orphanet 79493, Orphanet 867, MedGen C1275122, MONDO:0011114.
Brooke-Spiegler syndrome. Also called: CYLD Cutaneous Syndrome. Identifiers: Orphanet 79493, MedGen C1857941, MONDO:0011512, OMIM 605041.
Frontotemporal dementia and/or amyotrophic lateral sclerosis 8. Identifiers: MedGen C5436881, MONDO:0030872, OMIM 619132.
Familial cylindromatosis. Also called: Turban tumor syndrome; ANCELL-SPIEGLER CYLINDROMAS. Identifiers: Orphanet 211, Orphanet 79493, MedGen C1851526, MONDO:0007565, OMIM 132700.

Allele frequency attached by ClinVar (database versions not stated): ExAC 0.00003; gnomAD exomes 0.00003 and 0.00004; gnomAD 0.00004 and 0.00005; TOPMed 0.00006.
gnomAD v4.1: 48 of 1,613,706 alleles (0.003%); highest among the groups gnomAD compares: South Asian, 0.0088%; no homozygotes.

Submissions (5):

Baylor Genetics
Classification: Uncertain significance for Frontotemporal dementia and/or amyotrophic lateral sclerosis 8. Last evaluated: 2023-12-02. Review status: criteria provided, single submitter. Criteria: ACMG Guidelines, 2015. Collection method: clinical testing. Allele origin: unknown.

GeneDx
Classification: Uncertain significance. Last evaluated: 2022-01-06. Review status: criteria provided, single submitter. Criteria: GeneDx Variant Classification Process June 2021. Collection method: clinical testing. Allele origin: germline. Affected: yes.
Comment: In silico analysis supports that this missense variant has a deleterious effect on protein structure/function; Has not been previously published as pathogenic or benign to our knowledge

Illumina Laboratory Services, Illumina
Classification: Benign for Trichoepithelioma, multiple familial, 1. Last evaluated: 2018-01-13. Review status: criteria provided, single submitter. Criteria: ICSL Variant Classification Criteria 13 December 2019. Collection method: clinical testing. Allele origin: germline.
Comment: This variant was observed in the ICSL laboratory as part of a predisposition screen in an ostensibly healthy population. It had not been previously curated by ICSL or reported in the Human Gene Mutation Database (HGMD: prior to June 1st, 2018), and was therefore a candidate for classification through an automated scoring system. Utilizing variant allele frequency, disease prevalence and penetrance estimates, and inheritance mode, an automated score was calculated to assess if this variant is too frequent to cause the disease. Based on the score and internal cut-off values, a variant classified as benign is not then subjected to further curation. The score for this variant resulted in a classification of benign for this disease.

Illumina Laboratory Services, Illumina
Classification: Benign for Familial cylindromatosis. Last evaluated: 2018-01-13. Review status: criteria provided, single submitter. Criteria: ICSL Variant Classification Criteria 13 December 2019. Collection method: clinical testing. Allele origin: germline.
Comment: the same text as in the submission from Illumina Laboratory Services, Illumina above.

Illumina Laboratory Services, Illumina
Classification: Benign for Brooke-Spiegler syndrome. Last evaluated: 2018-01-13. Review status: criteria provided, single submitter. Criteria: ICSL Variant Classification Criteria 13 December 2019. Collection method: clinical testing. Allele origin: germline.
Comment: the same text as in the submission from Illumina Laboratory Services, Illumina above.

NM_001378743.1(CYLD):c.59T>G (p.Ile20Ser)

Gene: CYLD (CYLD lysine 63 deubiquitinase; plus strand). Cytogenetic location: 16q12.1.
Variant type: single nucleotide variant.
Coding change: c.59T>G on transcript NM_001378743.1 (MANE Select); coding-DNA position 59, T replaced by G.
Protein change: p.Ile20Ser; replaces isoleucine 20 with serine.
Molecular consequence: missense variant. On other transcripts: 5 prime UTR variant (2), non-coding transcript variant (1).
Genome position (GRCh38, 1-based): chr16:50,749,757, T>G. VCF-style: chr16-50749757-T-G. GRCh37 (hg19) VCF-style: chr16-50783668-T-G.
Other names: c.59T>G, p.Ile20Ser (NM_001042355.2, NM_001042412.3, NM_001378744.1 and 10 more transcripts); c.-604T>G (NM_001378754.1, NM_001378755.1); short protein forms I20S.
Identifiers: ClinVar variation 319497 (VCV000319497.8), dbSNP rs764097337, ClinGen allele CA8052119.